The following is an entry in ClinVar:

ClinVar aggregate classification (germline): Pathogenic/Likely pathogenic. Review status: criteria provided, multiple submitters, no conflicts (2 of 4 stars). 5 submissions from 5 submitters: Pathogenic (4); Likely pathogenic (1). Last evaluated 2026-10-06.

Conditions:
Neurofibromatosis, type 1 (NF1). Also called: Neurofibromatosis, type I; NEUROFIBROMATOSIS, TYPE I, SOMATIC; Peripheral type neurofibromatosis; VON RECKLINGHAUSEN DISEASE. Identifiers: Orphanet 636, MedGen C0027831, MONDO:0018975, OMIM 162200. Disease mechanism: loss of function.

Submissions (5):

NHS Central & South Genomic Laboratory Hub
Classification: Pathogenic for Neurofibromatosis type 1. Last evaluated: 2026-10-06. Review status: criteria provided, single submitter. Criteria: ACMG Guidelines, 2015. Collection method: clinical testing. Allele origin: germline. Affected: yes.

GeneDx
Classification: Pathogenic. Last evaluated: 2025-07-28. Review status: criteria provided, single submitter. Criteria: GeneDx Variant Classification Process June 2021. Collection method: clinical testing. Allele origin: germline. Affected: yes.
Comment: Nonsense variant predicted to result in protein truncation or nonsense mediated decay in a gene for which loss of function is a known mechanism of disease; Not observed at significant frequency in large population cohorts (gnomAD); This variant is associated with the following publications: (PMID: 30290804, 23656349, 34308104, 31776437)

Labcorp Genetics (formerly Invitae), Labcorp
Classification: Pathogenic for Neurofibromatosis, type 1. Last evaluated: 2025-04-23. Review status: criteria provided, single submitter. Criteria: Invitae Variant Classification Sherloc (09022015). Collection method: clinical testing. Allele origin: germline.
Comment: This sequence change creates a premature translational stop signal (p.Gln1703*) in the NF1 gene. It is expected to result in an absent or disrupted protein product. Loss-of-function variants in NF1 are known to be pathogenic (PMID: 10712197, 23913538). This variant is not present in population databases (gnomAD no frequency). This premature translational stop signal has been observed in individual(s) with clinical features of neurofibromatosis, type 1 (PMID: 30290804, 31776437). Invitae Evidence Modeling of clinical and family history, age, sex, and reported ancestry of multiple individuals with this NF1 variant has been performed. This variant is expected to be pathogenic with a positive predictive value of at least 99%. This is a validated machine learning model that incorporates the clinical features of 1,785,918 individuals referred to our laboratory for NF1 testing. This variant is also known as c.5170C>T, Gln1724Ter. ClinVar contains an entry for this variant (Variation ID: 2736558). Algorithms developed to predict the effect of sequence changes on RNA splicing suggest that this variant may disrupt the consensus splice site. For these reasons, this variant has been classified as Pathogenic.

3billion
Classification: Pathogenic for Neurofibromatosis, type 1. Last evaluated: 2024-07-17. Review status: criteria provided, single submitter. Criteria: ACMG Guidelines, 2015. Collection method: clinical testing. Allele origin: germline. Affected: yes.
Comment: The variant is not observed in the gnomAD v4.0.0 dataset. Predicted Consequence/Location: Stop-gained (nonsense): predicted to result in a loss or disruption of normal protein function through nonsense-mediated decay (NMD) or protein truncation. Multiple pathogenic variants are reported downstream of the variant. The variant has been reported at least twice as pathogenic without evidence for the classification (ClinVar ID: VCV002736558 /PMID: 23656349). Therefore, this variant is classified as Pathogenic according to the recommendation of ACMG/AMP guideline.

ARUP Laboratories, Molecular Genetics and Genomics, ARUP Laboratories
Classification: Likely pathogenic. Last evaluated: 2023-04-06. Review status: criteria provided, single submitter. Criteria: ARUP Molecular Germline Variant Investigation Process 2024. Collection method: clinical testing. Allele origin: germline.
Comment: The NF1 c.5170C>T; p.Gln1724Ter variant (rs1567611587), also known as p.Gln1703Ter for NM_000267.3, is reported in the literature in individuals affected with neurofibromatosis type 1 (Kang 2020, Wu-Chou 2018). This variant is absent from the Genome Aggregation Database, indicating it is not a common polymorphism. This variant induces an early termination codon and is predicted to result in a truncated protein or mRNA subject to nonsense-mediated decay. Based on available information, this variant is considered to be likely pathogenic. References: Kang E et al. Phenotype categorization of neurofibromatosis type I and correlation to NF1 mutation types. J Hum Genet. 2020 Jan;65(2):79-89. PMID: 31776437. Wu-Chou YH et al. Genetic diagnosis of neurofibromatosis type 1: targeted next- generation sequencing with Multiple Ligation-Dependent Probe Amplification analysis. J Biomed Sci. 2018 Oct 5;25(1):72. PMID: 30290804.

Literature cited by the submitters: PubMed 10712197 (cited by Labcorp Genetics (formerly Invitae), Labcorp); PubMed 23913538 (cited by Labcorp Genetics (formerly Invitae), Labcorp); PubMed 30290804 (cited by Labcorp Genetics (formerly Invitae), Labcorp); PubMed 31776437 (cited by Labcorp Genetics (formerly Invitae), Labcorp); PubMed 23656349 (cited by 3billion).

NM_001042492.3(NF1):c.5170C>T (p.Gln1724Ter)

Gene: NF1 (neurofibromin 1; plus strand). Cytogenetic location: 17q11.2.
Variant type: single nucleotide variant.
Coding change: c.5170C>T on transcript NM_001042492.3 (MANE Select); coding-DNA position 5170, C replaced by T.
Protein change: p.Gln1724Ter; replaces glutamine 1724 with a stop codon.
Molecular consequence: nonsense.
Genome position (GRCh38, 1-based): chr17:31,326,154, C>T. VCF-style: chr17-31326154-C-T. GRCh37 (hg19) VCF-style: chr17-29653172-C-T.
Other names: c.5107C>T, p.Gln1703Ter (NM_000267.4); short protein forms Q1724*, Q1703*.
Identifiers: ClinVar variation 2736558 (VCV002736558.7), dbSNP rs1567611587, ClinGen allele CA399007906.